The following is an entry in ClinVar:

NM_000137.4(FAH):c.455+1G>A

Gene: FAH (fumarylacetoacetate hydrolase; plus strand). Cytogenetic location: 15q25.1.
Variant type: single nucleotide variant.
Coding change: c.455+1G>A on transcript NM_000137.4 (MANE Select); the canonical splice donor site of the intron after coding-DNA position 455, G replaced by A.
Molecular consequence: splice donor variant.
Genome position (GRCh38, 1-based): chr15:80,162,337, G>A. VCF-style: chr15-80162337-G-A. GRCh37 (hg19) VCF-style: chr15-80454679-G-A.
Other names: c.455+1G>A (NM_001374377.1, NM_001374380.1).
Identifiers: ClinVar variation 2777354 (VCV002777354.3), dbSNP rs2041156486, ClinGen allele CA393619507.

ClinVar aggregate classification (germline): Likely pathogenic (1 of 4 stars; one submission).

Conditions:
Tyrosinemia type I (TYRSN1). Also called: HEPATORENAL TYROSINEMIA; Tyrosinemia type 1; Fumarylacetoacetase deficiency; Deficiency of fumarylacetoacetase; FAH DEFICIENCY. Identifiers: Orphanet 882, MedGen C0268490, MONDO:0010161, OMIM 276700. Disease mechanism: loss of function.

Allele frequency attached by ClinVar (database versions not stated): gnomAD 0.00001.
gnomAD v4.1: 1 of 1,611,864 alleles (0.000062%); highest among the groups gnomAD compares: Non-Finnish European, 0.000085%; no homozygotes.

Submission:

Labcorp Genetics (formerly Invitae), Labcorp
Classification: Likely pathogenic for Tyrosinemia type I. Last evaluated: 2022-11-09. Review status: criteria provided, single submitter. Criteria: Invitae Variant Classification Sherloc (09022015). Collection method: clinical testing. Allele origin: germline.
Comment: Disruption of this splice site has been observed in individual(s) with tyrosinemia type I (PMID: 30414057). This sequence change affects a donor splice site in intron 5 of the FAH gene. It is expected to disrupt RNA splicing. Variants that disrupt the donor or acceptor splice site typically lead to a loss of protein function (PMID: 16199547), and loss-of-function variants in FAH are known to be pathogenic (PMID: 9101289, 9633815). This variant is not present in population databases (gnomAD no frequency). This variant is also known as ivs5+1G>A. Algorithms developed to predict the effect of sequence changes on RNA splicing suggest that this variant may disrupt the consensus splice site. In summary, the currently available evidence indicates that the variant is pathogenic, but additional data are needed to prove that conclusively. Therefore, this variant has been classified as Likely Pathogenic.

Literature cited by the submitters: PubMed 30414057; PubMed 16199547; PubMed 9101289; PubMed 9633815.